The following is an entry in ClinVar:

ClinVar aggregate classification (germline): Uncertain significance (1 of 4 stars; one submission).

Conditions:
Autosomal recessive limb-girdle muscular dystrophy type 2D (LGMDR3). Also called: ADHALINOPATHY, PRIMARY; DUCHENNE-LIKE AUTOSOMAL RECESSIVE MUSCULAR DYSTROPHY, TYPE 2; MUSCULAR DYSTROPHY, LIMB-GIRDLE, AUTOSOMAL RECESSIVE 3. Identifiers: Orphanet 62, MedGen C2936332, MONDO:0011968, OMIM 608099. Disease mechanism: Affects gamma-sarcoglycan and also disrupts the integrity of the entire sarcoglycan complex..

Allele frequency attached by ClinVar (database versions not stated): gnomAD exomes below 0.00001; TOPMed below 0.00001.

Submission:

Labcorp Genetics (formerly Invitae), Labcorp
Classification: Uncertain significance for Autosomal recessive limb-girdle muscular dystrophy type 2D. Last evaluated: 2022-04-09. Review status: criteria provided, single submitter. Criteria: Invitae Variant Classification Sherloc (09022015). Collection method: clinical testing. Allele origin: germline.
Comment: This sequence change replaces proline, which is neutral and non-polar, with serine, which is neutral and polar, at codon 216 of the SGCA protein (p.Pro216Ser). This variant is not present in population databases (gnomAD no frequency). This variant has not been reported in the literature in individuals affected with SGCA-related conditions. Advanced modeling of protein sequence and biophysical properties (such as structural, functional, and spatial information, amino acid conservation, physicochemical variation, residue mobility, and thermodynamic stability) performed at Invitae indicates that this missense variant is expected to disrupt SGCA protein function. In summary, the available evidence is currently insufficient to determine the role of this variant in disease. Therefore, it has been classified as a Variant of Uncertain Significance.

NM_000023.4(SGCA):c.646C>T (p.Pro216Ser)

Gene: SGCA (sarcoglycan alpha; plus strand). Cytogenetic location: 17q21.33.
Variant type: single nucleotide variant.
Coding change: c.646C>T on transcript NM_000023.4 (MANE Select); coding-DNA position 646, C replaced by T.
Protein change: p.Pro216Ser; replaces proline 216 with serine.
Molecular consequence: missense variant. On other transcripts: non-coding transcript variant (1), intron variant (1).
Genome position (GRCh38, 1-based): chr17:50,169,153, C>T. VCF-style: chr17-50169153-C-T. GRCh37 (hg19) VCF-style: chr17-48246514-C-T.
Other names: c.584+581C>T (NM_001135697.3); short protein forms P216S.
Identifiers: ClinVar variation 2049659 (VCV002049659.1), dbSNP rs1905165554, ClinGen allele CA400180603.
Genomic context (GRCh38, chr17:50,169,153, plus strand): 5'-GTATACATTAAGGTGGGTTCTGCCTCACCTTTTTCTACTTGCCTGAAGATGGTGGCATCC[C>T]CCGATAGCCACGCCCGCTGTGCCCAGGGCCAGCCTCCACTTCTGTCTTGCTACGACACCT-3'
Protein context (NP_000014.1, residues 206-226): FSTCLKMVAS[Pro216Ser]DSHARCAQGQ